The following is an entry in ClinVar:

ClinVar aggregate classification (germline): Uncertain significance (1 of 4 stars; one submission).

Conditions:
Fanconi anemia (FA). Also called: Fanconi's anemia. Identifiers: Orphanet 84, MedGen C0015625, MeSH D005199, MONDO:0019391.

Submission:

Labcorp Genetics (formerly Invitae), Labcorp
Classification: Uncertain significance for Fanconi anemia. Last evaluated: 2024-05-28. Review status: criteria provided, single submitter. Criteria: Invitae Variant Classification Sherloc (09022015). Collection method: clinical testing. Allele origin: germline.
Comment: This sequence change replaces glutamic acid, which is acidic and polar, with aspartic acid, which is acidic and polar, at codon 63 of the FANCD2 protein (p.Glu63Asp). This variant is not present in population databases (gnomAD no frequency). This variant has not been reported in the literature in individuals affected with FANCD2-related conditions. Advanced modeling of protein sequence and biophysical properties (such as structural, functional, and spatial information, amino acid conservation, physicochemical variation, residue mobility, and thermodynamic stability) performed at Invitae indicates that this missense variant is not expected to disrupt FANCD2 protein function with a negative predictive value of 80%. In summary, the available evidence is currently insufficient to determine the role of this variant in disease. Therefore, it has been classified as a Variant of Uncertain Significance.

NM_001018115.3(FANCD2):c.189G>C (p.Glu63Asp)

Genes: FANCD2 (FA complementation group D2; plus strand), LOC107303338 (3p25 FANCD2 Alu-mediated recombination region; plus strand). Cytogenetic location: 3p25.3.
Variant type: single nucleotide variant.
Coding change: c.189G>C on transcript NM_001018115.3 (MANE Select); coding-DNA position 189, G replaced by C.
Protein change: p.Glu63Asp; replaces glutamic acid 63 with aspartic acid.
Molecular consequence: missense variant.
Genome position (GRCh38, 1-based): chr3:10,032,956, G>C. VCF-style: chr3-10032956-G-C. GRCh37 (hg19) VCF-style: chr3-10074640-G-C.
Other names: c.189G>C, p.Glu63Asp (NM_001319984.2, NM_001374253.1, NM_001374254.1 and 2 more transcripts); short protein forms E63D.
Identifiers: ClinVar variation 3608724 (VCV003608724.2).